The following is an entry in ClinVar:

NM_000312.4(PROC):c.698dup (p.Lys234fs)

Gene: PROC (protein C, inactivator of coagulation factors Va and VIIIa; plus strand). Cytogenetic location: 2q14.3.
Variant type: Duplication.
Coding change: c.698dup on transcript NM_000312.4 (MANE Select); coding-DNA position 698, one base duplicated (A; older notation c.698dupA).
Protein change: p.Lys234fs; shifts the reading frame from lysine 234.
Molecular consequence: frameshift variant.
Genome position (GRCh38, 1-based): chr2:127,427,124, A duplicated; the last of 3 consecutive A bases (chr2:127,427,122-127,427,124); duplicating any one gives the same sequence. VCF-style (leftmost placement, unchanged base first): chr2-127427121-C-CA. GRCh37 (hg19) VCF-style: chr2-128184697-C-CA.
Other names: c.881dup, p.Lys295fs (NM_001375602.1); c.863dup, p.Lys289fs (NM_001375603.1); c.761dup, p.Lys255fs (NM_001375604.1); c.800dup, p.Lys268fs (NM_001375605.1); c.866dup, p.Lys290fs (NM_001375606.1); c.884dup, p.Lys296fs (NM_001375607.1); c.641dup, p.Lys215fs (NM_001375608.1); c.674dup, p.Lys226fs (NM_001375609.1); and 2 more; short protein forms K215fs, K232fs, K234fs, K289fs, K295fs, K255fs, K268fs, K290fs.
Identifiers: ClinVar variation 1976706 (VCV001976706.5), dbSNP rs2468366132, ClinGen allele CA915940335.

ClinVar aggregate classification (germline): Pathogenic (1 of 4 stars; one submission).

Conditions:
Thrombophilia due to protein C deficiency, autosomal dominant. Also called: PROC DEFICIENCY, AUTOSOMAL DOMINANT; PROTEIN C DEFICIENCY, AUTOSOMAL DOMINANT. Identifiers: Orphanet 745, MedGen C2674321, MONDO:0008316, OMIM 176860. Disease mechanism: loss of function.

Submission:

Labcorp Genetics (formerly Invitae), Labcorp
Classification: Pathogenic for Thrombophilia due to protein C deficiency, autosomal dominant. Last evaluated: 2022-01-13. Review status: criteria provided, single submitter. Criteria: Invitae Variant Classification Sherloc (09022015). Collection method: clinical testing. Allele origin: germline.
Comment: This sequence change creates a premature translational stop signal (p.Lys234Glufs*24) in the PROC gene. While this is not anticipated to result in nonsense mediated decay, it is expected to disrupt the last 228 amino acid(s) of the PROC protein. This variant is not present in population databases (gnomAD no frequency). This variant has not been reported in the literature in individuals affected with PROC-related conditions. This variant disrupts a region of the PROC protein in which other variant(s) (p.Arg271Trp) have been determined to be pathogenic (PMID: 7482420, 18954896, 27172833, 28111891). This suggests that this is a clinically significant region of the protein, and that variants that disrupt it are likely to be disease-causing. For these reasons, this variant has been classified as Pathogenic.

Literature cited by the submitters: PubMed 7482420; PubMed 18954896; PubMed 27172833; PubMed 28111891.